The following is an entry in ClinVar:

NM_007078.3(LDB3):c.537C>G (p.Asp179Glu)

Gene: LDB3 (LIM domain binding 3; plus strand). Cytogenetic location: 10q23.2.
Variant type: single nucleotide variant.
Coding change: c.537C>G on transcript NM_007078.3 (MANE Select); coding-DNA position 537, C replaced by G.
Protein change: p.Asp179Glu; replaces aspartic acid 179 with glutamic acid.
Molecular consequence: missense variant. On other transcripts: intron variant (5).
Genome position (GRCh38, 1-based): chr10:86,681,651, C>G. VCF-style: chr10-86681651-C-G. GRCh37 (hg19) VCF-style: chr10-88441408-C-G.
Other names: p.Asp179Glu; c.537C>G, p.Asp179Glu (NM_001080115.2, NM_001171610.2, NM_001171611.2 and 3 more transcripts); c.321+1494C>G (NM_001368068.1, NM_001368066.1, NM_001080114.2 and 2 more transcripts); short protein forms D179E.
Identifiers: ClinVar variation 2683114 (VCV002683114.1), dbSNP rs2492592827, ClinGen allele CA377454468.

ClinVar aggregate classification (germline): Uncertain significance (1 of 4 stars; one submission).

Submission:

Mayo Clinic Laboratories, Mayo Clinic
Classification: Uncertain significance. Last evaluated: 2022-11-02. Review status: criteria provided, single submitter. Criteria: ACMG Guidelines, 2015. Collection method: clinical testing. Allele origin: germline. Observed: 2 variant alleles.
Comment: BP4, PM2_supporting